The following is an entry in ClinVar:

ClinVar aggregate classification (germline): Uncertain significance (1 of 4 stars; one submission).

Submission:

GeneDx
Classification: Uncertain significance. Last evaluated: 2019-10-16. Review status: criteria provided, single submitter. Criteria: GeneDx Variant Classification Process June 2021. Collection method: clinical testing. Allele origin: germline. Affected: yes.
Comment: Not observed in large population cohorts (Lek et al., 2016); In silico analysis, which includes protein predictors and evolutionary conservation, supports a deleterious effect; Has not been previously published as pathogenic or benign to our knowledge

NM_000814.6(GABRB3):c.809A>G (p.Asp270Gly)

Gene: GABRB3 (gamma-aminobutyric acid type A receptor subunit beta3; minus strand). Cytogenetic location: 15q12.
Variant type: single nucleotide variant.
Coding change: c.809A>G on transcript NM_000814.6 (MANE Select); coding-DNA position 809, A replaced by G.
Protein change: p.Asp270Gly; replaces aspartic acid 270 with glycine.
Molecular consequence: missense variant.
Genome position (GRCh38, 1-based): chr15:26,567,607, T>C on the plus strand (A>G on the coding strand, the complement: GABRB3 is on the minus strand). VCF-style: chr15-26567607-T-C. GRCh37 (hg19) VCF-style: chr15-26812754-T-C.
Other names: c.554A>G, p.Asp185Gly (NM_001191320.2, NM_001278631.2); c.596A>G, p.Asp199Gly (NM_001191321.3); c.809A>G, p.Asp270Gly (NM_021912.5); short protein forms D185G, D199G, D270G.
Identifiers: ClinVar variation 1204273 (VCV001204273.3), dbSNP rs2140696565, ClinGen allele CA391463038.